The following is an entry in ClinVar:

NM_006231.4(POLE):c.4757C>A (p.Ala1586Asp)

Gene: POLE (DNA polymerase epsilon, catalytic subunit; minus strand). Cytogenetic location: 12q24.33.
Variant type: single nucleotide variant.
Coding change: c.4757C>A on transcript NM_006231.4 (MANE Select); coding-DNA position 4757, C replaced by A.
Protein change: p.Ala1586Asp; replaces alanine 1586 with aspartic acid.
Molecular consequence: missense variant.
Genome position (GRCh38, 1-based): chr12:132,642,701, G>T on the plus strand (C>A on the coding strand, the complement: POLE is on the minus strand). VCF-style: chr12-132642701-G-T. GRCh37 (hg19) VCF-style: chr12-133219287-G-T.
Other names: short protein forms A1586D.
Identifiers: ClinVar variation 1001945 (VCV001001945.8), dbSNP rs915275826, ClinGen allele CA387378494.
Genomic context (GRCh38, chr12:132,642,701, plus strand): 5'-AATTCCTCCAAGACAGGAATTTCACTGGCCAGCCTCTTCAGCTCCCAGCTGGACTGAACA[G>T]CGATGAGTGTGGGCCCCCGGCGCTCCTCCTGGGTCAAGGCAAAATGGAAGAAAAGACCTG-3'
Protein context (NP_006222.2, residues 1576-1596): KEERRGPTLI[Ala1586Asp]VQSSWELKRL

ClinVar aggregate classification (germline): Uncertain significance (1 of 4 stars; one submission).

Submission:

Labcorp Genetics (formerly Invitae), Labcorp
Classification: Uncertain significance. Last evaluated: 2020-08-04. Review status: criteria provided, single submitter. Criteria: Invitae Variant Classification Sherloc (09022015). Collection method: clinical testing. Allele origin: germline.
Comment: This sequence change replaces alanine with aspartic acid at codon 1586 of the POLE protein (p.Ala1586Asp). The alanine residue is moderately conserved and there is a moderate physicochemical difference between alanine and aspartic acid. This variant is not present in population databases (ExAC no frequency). This variant has not been reported in the literature in individuals with POLE-related conditions. Algorithms developed to predict the effect of missense changes on protein structure and function are either unavailable or do not agree on the potential impact of this missense change (SIFT: "Tolerated"; PolyPhen-2: "Probably Damaging"; Align-GVGD: "Class C0"). In summary, the available evidence is currently insufficient to determine the role of this variant in disease. Therefore, it has been classified as a Variant of Uncertain Significance.